The following is an entry in ClinVar:

NM_001267550.2(TTN):c.35777C>T (p.Pro11926Leu)

Gene: TTN (titin; minus strand). Cytogenetic location: 2q31.2.
Variant type: single nucleotide variant.
Coding change: c.35777C>T on transcript NM_001267550.2 (MANE Select); coding-DNA position 35777, C replaced by T.
Protein change: p.Pro11926Leu; replaces proline 11926 with leucine.
Molecular consequence: missense variant. On other transcripts: intron variant (5).
Genome position (GRCh38, 1-based): chr2:178,667,256, G>A on the plus strand (C>T on the coding strand, the complement: TTN is on the minus strand). VCF-style: chr2-178667256-G-A. GRCh37 (hg19) VCF-style: chr2-179531983-G-A.
Other names: c.13283-24939C>T (NM_003319.4); c.13859-24939C>T (NM_133437.4); c.13658-24939C>T (NM_133432.3); c.31483+2962C>T (NM_133378.4); c.34264+2962C>T (NM_001256850.1); short protein forms P11926L.
Identifiers: ClinVar variation 4083465 (VCV004083465.1).
Genomic context (GRCh38, chr2:178,667,256, plus strand): 5'-ATATTTTCTTCTTTAGATTTTCCTAACTAGAGAATTATACCTTCAGTTGGAGGATGTTCT[G>A]GAATTTCAGGAATAGCCTCAGGTGGCTCCACCTCTGGAAAAATGCCTCTGGTTGTATCAG-3'
Protein context (NP_001254479.2, residues 11916-11936): VEPPEAIPEI[Pro11926Leu]EHPPTEEFEV

ClinVar aggregate classification (germline): Uncertain significance (1 of 4 stars; one submission).

gnomAD v4.1: 6 of 1,603,176 alleles (0.00037%); highest among the groups gnomAD compares: Non-Finnish European, 0.00051%; no homozygotes.

Submission:

GeneDx
Classification: Uncertain significance. Last evaluated: 2025-03-04. Review status: criteria provided, single submitter. Criteria: GeneDx Variant Classification Process June 2021. Collection method: clinical testing. Allele origin: germline. Affected: yes.
Comment: Not observed at significant frequency in large population cohorts (gnomAD); Missense variant in a gene in which most reported pathogenic variants are truncating/loss of function; Has not been previously published as pathogenic or benign to our knowledge